The following is an entry in ClinVar:

NM_000094.4(COL7A1):c.2644T>C (p.Ser882Pro)

Gene: COL7A1 (collagen type VII alpha 1 chain; minus strand). Cytogenetic location: 3p21.31.
Variant type: single nucleotide variant.
Coding change: c.2644T>C on transcript NM_000094.4 (MANE Select); coding-DNA position 2644, T replaced by C.
Protein change: p.Ser882Pro; replaces serine 882 with proline.
Molecular consequence: missense variant.
Genome position (GRCh38, 1-based): chr3:48,588,348, A>G on the plus strand (T>C on the coding strand, the complement: COL7A1 is on the minus strand). VCF-style: chr3-48588348-A-G. GRCh37 (hg19) VCF-style: chr3-48625781-A-G.
Other names: short protein forms S882P.
Identifiers: ClinVar variation 973044 (VCV000973044.4), dbSNP rs2045438463, ClinGen allele CA352717563.

ClinVar aggregate classification (germline): Uncertain significance (1 of 4 stars; one submission).

Conditions:
Epidermolysis bullosa dystrophica. Also called: Dystrophic epidermolysis bullosa, Hallopeau-Siemens type (formerly); Dystrophic epidermolysis bullosa. Identifiers: Orphanet 303, MedGen C0079294, MONDO:0006543.

Submission:

GeneDx
Classification: Uncertain significance. Last evaluated: 2020-01-07. Review status: criteria provided, single submitter. Criteria: GeneDx Variant Classification Process June 2021. Collection method: clinical testing. Allele origin: germline. Affected: yes.
Comment: Has not been previously published as pathogenic or benign to our knowledge; Not observed in large population cohorts (Lek et al., 2016); In silico analysis, which includes protein predictors and evolutionary conservation, supports that this variant does not alter protein structure/function